The following is an entry in ClinVar:

NM_000059.4(BRCA2):c.8830del (p.Ile2944fs)

Gene: BRCA2 (BRCA2 DNA repair associated; plus strand). Cytogenetic location: 13q13.1.
Variant type: Deletion.
Coding change: c.8830del on transcript NM_000059.4 (MANE Select); coding-DNA position 8830, one base deleted (A; older notation c.8830delA).
Protein change: p.Ile2944fs; shifts the reading frame from isoleucine 2944.
Molecular consequence: frameshift variant.
Genome position (GRCh38, 1-based): chr13:32,379,392, A deleted. VCF-style (leftmost placement, unchanged base first): chr13-32379391-GA-G. GRCh37 (hg19) VCF-style: chr13-32953528-GA-G.
Other names: 9058delA; short protein forms I2944fs.
Identifiers: ClinVar variation 267109 (VCV000267109.5), dbSNP rs886040794, ClinGen allele CA10589519.

ClinVar aggregate classification (germline): Pathogenic. Review status: reviewed by expert panel (3 of 4 stars). 2 submissions from 2 submitters: Pathogenic (1). 1 of the submissions does not count toward it. Last evaluated 2016-10-18.

Conditions:
Breast-ovarian cancer, familial, susceptibility to, 2 (BROVCA2). Also called: BRCA2 Hereditary Breast and Ovarian Cancer. Identifiers: Orphanet 145, MedGen C2675520, MONDO:0012933, OMIM 612555. Disease mechanism: loss of function.

Submissions (2):

Evidence-based Network for the Interpretation of Germline Mutant Alleles (ENIGMA)
Classification: Pathogenic for Breast-ovarian cancer, familial, susceptibility to, 2. Last evaluated: 2016-10-18. Review status: reviewed by expert panel. Criteria: ENIGMA BRCA1/2 Classification Criteria (2015). Collection method: curation. Allele origin: germline.
Comment: Variant allele predicted to encode a truncated non-functional protein.

Consortium of Investigators of Modifiers of BRCA1/2 (CIMBA), c/o University of Cambridge
Classification: Pathogenic for Breast-ovarian cancer, familial, susceptibility to, 2. Last evaluated: 2015-10-02. Review status: criteria provided, single submitter. Criteria: CIMBA Mutation Classification guidelines May 2016. Collection method: clinical testing. Allele origin: germline. Not counted in ClinVar's aggregate classification.